The following is an entry in ClinVar:

NM_006031.6(PCNT):c.4597C>A (p.Gln1533Lys)

Gene: PCNT (pericentrin; plus strand). Cytogenetic location: 21q22.3.
Variant type: single nucleotide variant.
Coding change: c.4597C>A on transcript NM_006031.6 (MANE Select); coding-DNA position 4597, C replaced by A.
Protein change: p.Gln1533Lys; replaces glutamine 1533 with lysine.
Molecular consequence: missense variant.
Genome position (GRCh38, 1-based): chr21:46,399,602, C>A. VCF-style: chr21-46399602-C-A. GRCh37 (hg19) VCF-style: chr21-47819516-C-A.
Other names: c.4597C>A (NM_006031.5); c.4243C>A, p.Gln1415Lys (NM_001315529.2); short protein forms Q1415K, Q1533K.
Identifiers: ClinVar variation 1901888 (VCV001901888.4), dbSNP rs1379638059, ClinGen allele CA410579767.
Genomic context (GRCh38, chr21:46,399,602, plus strand): 5'-TTTATAAAACATTCTATTGTATTCCTCAAGCATTTTTTGTTGTTTTAGGTTGAGTTGTTA[C>A]AACAAAAGTTGAGAGAAAAGTTGGATGAATTTAATGAATTGGCTATACAGAAAGAGTCGG-3'
Protein context (NP_006022.3, residues 1523-1543): APLDGEVELL[Gln1533Lys]QKLREKLDEF

ClinVar aggregate classification (germline): Uncertain significance. Review status: criteria provided, multiple submitters, no conflicts (2 of 4 stars). 2 submissions from 2 submitters: Uncertain significance (2). Last evaluated 2025-09-11.

Conditions:
Inborn genetic diseases. Identifiers: MedGen C0950123, MeSH D030342.

Allele frequency attached by ClinVar (database versions not stated): gnomAD 0.00001; TOPMed 0.00001.
gnomAD v4.1: 10 of 1,612,014 alleles (0.00062%); highest among the groups gnomAD compares: African/African-American, 0.0013%; no homozygotes.

Submissions (2):

Ambry Genetics
Classification: Uncertain significance for Inborn genetic diseases. Last evaluated: 2025-09-11. Review status: criteria provided, single submitter. Criteria: Ambry Variant Classification Scheme 2023. Collection method: clinical testing. Allele origin: germline.

Labcorp Genetics (formerly Invitae), Labcorp
Classification: Uncertain significance. Last evaluated: 2022-05-31. Review status: criteria provided, single submitter. Criteria: Invitae Variant Classification Sherloc (09022015). Collection method: clinical testing. Allele origin: germline.
Comment: This sequence change replaces glutamine, which is neutral and polar, with lysine, which is basic and polar, at codon 1533 of the PCNT protein (p.Gln1533Lys). In summary, the available evidence is currently insufficient to determine the role of this variant in disease. Therefore, it has been classified as a Variant of Uncertain Significance. Algorithms developed to predict the effect of missense changes on protein structure and function (SIFT, PolyPhen-2, Align-GVGD) all suggest that this variant is likely to be tolerated. This variant has not been reported in the literature in individuals affected with PCNT-related conditions. This variant is present in population databases (no rsID available, gnomAD 0.003%).